The following is an entry in ClinVar:

NM_000218.3(KCNQ1):c.972C>T (p.Val324=)

Gene: KCNQ1 (potassium voltage-gated channel subfamily Q member 1; plus strand). Cytogenetic location: 11p15.5.
Variant type: single nucleotide variant.
Coding change: c.972C>T on transcript NM_000218.3 (MANE Select); coding-DNA position 972, C replaced by T.
Protein change: p.Val324=; no amino-acid change (valine 324 retained).
Molecular consequence: synonymous variant.
Genome position (GRCh38, 1-based): chr11:2,583,485, C>T. VCF-style: chr11-2583485-C-T. GRCh37 (hg19) VCF-style: chr11-2604715-C-T.
Other names: c.972C>T, p.Val324= (NM_001406836.1); c.702C>T, p.Val234= (NM_001406837.1); c.528C>T, p.Val176= (NM_001406838.1); c.591C>T, p.Val197= (NM_181798.2).
Identifiers: ClinVar variation 304219 (VCV000304219.24), dbSNP rs554518844, ClinGen allele CA041844.

ClinVar aggregate classification (germline): Benign/Likely benign. Review status: criteria provided, multiple submitters, no conflicts (2 of 4 stars). 9 submissions from 6 submitters: Benign (4); Likely benign (5). Last evaluated 2026-01-18.

Conditions:
Long QT syndrome (LQTS). Identifiers: MedGen C0023976, MeSH D008133, MONDO:0002442. Disease mechanism: loss of function. Inheritance: Various modes of inheritance.
Long QT syndrome 1 (LQT1). Identifiers: Orphanet 101016, Orphanet 768, MedGen C4551647, MONDO:0100316, OMIM 192500, MONDO:0008646.
Jervell and Lange-Nielsen syndrome 1 (JLNS1). Also called: CARDIOAUDITORY SYNDROME OF JERVELL AND LANGE-NIELSEN; DEAFNESS, CONGENITAL, AND FUNCTIONAL HEART DISEASE; PROLONGED QT INTERVAL IN EKG AND SUDDEN DEATH; SURDO-CARDIAC SYNDROME. Identifiers: Orphanet 768, Orphanet 90647, MedGen C4551509, MONDO:0024540, OMIM 220400.
Cardiovascular phenotype. Identifiers: MedGen CN230736.
Cardiac arrhythmia. Also called: Arrhythmia; Cardiac rhythm disease. Identifiers: MedGen C0003811, MONDO:0007263, HP:0011675.
Atrial fibrillation, familial, 3 (ATFB3). Identifiers: MedGen C1837014, MONDO:0011857, OMIM 607554.
Short QT syndrome type 2. Identifiers: Orphanet 51083, MedGen C1865019, MONDO:0012313, OMIM 609621.

Allele frequency attached by ClinVar (database versions not stated): TOPMed 0.00001; ExAC 0.00045; gnomAD exomes 0.00047; 1000 Genomes Project 30x 0.00109; 1000 Genomes Project 0.00140.
gnomAD v4.1: 346 of 1,614,008 alleles (0.021%); highest among the groups gnomAD compares: South Asian, 0.34%; 2 homozygotes.

Submissions (9):

Labcorp Genetics (formerly Invitae), Labcorp
Classification: Benign for Long QT syndrome. Last evaluated: 2026-01-18. Review status: criteria provided, single submitter. Criteria: Invitae Variant Classification Sherloc (09022015). Collection method: clinical testing. Allele origin: germline.

Blueprint Genetics
Classification: Likely benign. Last evaluated: 2024-11-19. Review status: criteria provided, single submitter. Criteria: ACMG Guidelines, 2015. Collection method: clinical testing. Allele origin: germline.

All of Us Research Program, National Institutes of Health
Classification: Benign for Long QT syndrome. Last evaluated: 2024-01-11. Review status: criteria provided, single submitter. Criteria: ACMG Guidelines, 2015. Collection method: clinical testing. Allele origin: germline. Inheritance: Autosomal dominant inheritance. Observed: 10 variant alleles, 10 heterozygotes.
Comment: This study involves interpretation of variants in research participants for the purpose of population health screening. Participant phenotype was not available at the time of variant classification. Additional details can be found in publication PMID: 35346344, PMCID: PMC8962531

Ambry Genetics
Classification: Benign for Cardiovascular phenotype. Last evaluated: 2021-03-05. Review status: criteria provided, single submitter. Criteria: Ambry Variant Classification Scheme 2023. Collection method: clinical testing. Allele origin: germline.

Color Diagnostics, LLC DBA Color Health
Classification: Benign for Arrhythmia. Last evaluated: 2018-10-08. Review status: criteria provided, single submitter. Criteria: ACMG Guidelines, 2015. Collection method: clinical testing. Allele origin: germline.

Illumina Laboratory Services, Illumina
Classification: Likely benign for Jervell and Lange-Nielsen syndrome 1. Last evaluated: 2017-04-27. Review status: criteria provided, single submitter. Criteria: ICSL Variant Classification Criteria 13 December 2019. Collection method: clinical testing. Allele origin: germline.
Comment: This variant was observed as part of a predisposition screen in an ostensibly healthy population. A literature search was performed for the gene, cDNA change, and amino acid change (where applicable). No publications were found based on this search. Allele frequency data from public databases allowed determination this variant is unlikely to cause disease. Therefore, this variant is classified as likely benign.

Illumina Laboratory Services, Illumina
Classification: Likely benign for Atrial fibrillation, familial, 3. Last evaluated: 2017-04-27. Review status: criteria provided, single submitter. Criteria: ICSL Variant Classification Criteria 13 December 2019. Collection method: clinical testing. Allele origin: germline.
Comment: the same text as in the submission from Illumina Laboratory Services, Illumina above.

Illumina Laboratory Services, Illumina
Classification: Likely benign for Short QT syndrome type 2. Last evaluated: 2017-04-27. Review status: criteria provided, single submitter. Criteria: ICSL Variant Classification Criteria 13 December 2019. Collection method: clinical testing. Allele origin: germline.
Comment: the same text as in the submission from Illumina Laboratory Services, Illumina above.

Illumina Laboratory Services, Illumina
Classification: Likely benign for Long QT syndrome 1. Last evaluated: 2017-04-27. Review status: criteria provided, single submitter. Criteria: ICSL Variant Classification Criteria 13 December 2019. Collection method: clinical testing. Allele origin: germline.
Comment: This variant was observed as part of a predisposition screen in an ostensibly healthy population. A literature search was performed for the gene, cDNA change, and amino acid change (where applicable). Publications were found based on this search. The evidence from the literature, in combination with allele frequency data from public databases where available, was sufficient to determine this variant is unlikely to cause disease. Therefore, this variant is classified as likely benign.

Literature cited by the submitters: PubMed 16487223 (cited by Illumina Laboratory Services, Illumina); PubMed 21063070 (cited by Illumina Laboratory Services, Illumina).